The following is an entry in ClinVar:

NM_024867.4(SPEF2):c.2840-13G>A

Gene: SPEF2 (sperm flagellar 2; plus strand). Cytogenetic location: 5p13.2.
Variant type: single nucleotide variant.
Coding change: c.2840-13G>A on transcript NM_024867.4 (MANE Select); 13 bases into the intron before coding-DNA position 2840, G replaced by A.
Molecular consequence: intron variant.
Genome position (GRCh38, 1-based): chr5:35,712,799, G>A. VCF-style: chr5-35712799-G-A. GRCh37 (hg19) VCF-style: chr5-35712901-G-A.
Identifiers: ClinVar variation 403480 (VCV000403480.6), dbSNP rs115898419, ClinGen allele CA3230916.
Genomic context (GRCh38, chr5:35,712,799, plus strand): 5'-CTTGCTTACAATCATATAGCCCAGGCTATTGAAGTAAATCATCAATGATTTTTGTGTGTC[G>A]AATTTTGTTTAGAAGCCCCGCATGGTAAGCAAGAATCTCTTCAGGAAGGAAAAGGGAAGA-3'

ClinVar aggregate classification (germline): Benign. Review status: criteria provided, multiple submitters, no conflicts (2 of 4 stars). 3 submissions from 3 submitters: Benign (3). Last evaluated 2021-05-05.

Allele frequency attached by ClinVar (database versions not stated): 1000 Genomes Project 30x 0.01562; 1000 Genomes Project 0.01637; TOPMed 0.01682; gnomAD 0.01738 and 0.01873; ESP Exome Variant Server 0.01844; gnomAD exomes 0.02259 and 0.02709; ExAC 0.02655.
gnomAD v4.1: 36,187 of 1,612,932 alleles (2.2%); highest among the groups gnomAD compares: Middle Eastern, 8.5%; 714 homozygotes.

Submissions (3):

GeneDx
Classification: Benign. Last evaluated: 2021-05-05. Review status: criteria provided, single submitter. Criteria: GeneDx Variant Classification Process June 2021. Collection method: clinical testing. Allele origin: germline. Affected: yes.

Laboratory for Molecular Medicine, Mass General Brigham Personalized Medicine
Classification: Benign. Last evaluated: 2016-03-29. Review status: criteria provided, single submitter. Criteria: LMM Criteria. Collection method: clinical testing. Allele origin: germline.
Comment: Variant identified in a genome or exome case(s) and assessed due to predicted null impact of the variant or pathogenic assertions in the literature or databases. Disclaimer: This variant has not undergone full assessment. The following are preliminary notes: Frequency

Breakthrough Genomics
Classification: Benign. Review status: criteria provided, single submitter. Criteria: ACMG Guidelines, 2015. Collection method: not provided. Allele origin: germline. Inheritance: Autosomal recessive inheritance. Affected: yes.